The following is an entry in ClinVar:

ClinVar aggregate classification (germline): Uncertain significance (1 of 4 stars; one submission).

Allele frequency attached by ClinVar (database versions not stated): gnomAD exomes 0.00001; ExAC 0.00002; gnomAD 0.00002; TOPMed 0.00003; ESP Exome Variant Server 0.00008.
gnomAD v4.1: 30 of 1,613,620 alleles (0.0019%); highest among the groups gnomAD compares: Non-Finnish European, 0.0024%; no homozygotes.

Submission:

Labcorp Genetics (formerly Invitae), Labcorp
Classification: Uncertain significance. Last evaluated: 2020-10-19. Review status: criteria provided, single submitter. Criteria: Invitae Variant Classification Sherloc (09022015). Collection method: clinical testing. Allele origin: germline.
Comment: In summary, the available evidence is currently insufficient to determine the role of this variant in disease. Therefore, it has been classified as a Variant of Uncertain Significance. Algorithms developed to predict the effect of sequence changes on RNA splicing suggest that this variant may create or strengthen a splice site, but this prediction has not been confirmed by published transcriptional studies. This variant has not been reported in the literature in individuals with C8A-related conditions. This variant is present in population databases (rs372529913, ExAC 0.003%). This sequence change falls in intron 6 of the C8A gene. It does not directly change the encoded amino acid sequence of the C8A protein.

NM_000562.3(C8A):c.856-15G>A

Gene: C8A (complement C8 alpha chain; plus strand). Cytogenetic location: 1p32.2.
Variant type: single nucleotide variant.
Coding change: c.856-15G>A on transcript NM_000562.3 (MANE Select); 15 bases into the intron before coding-DNA position 856, G replaced by A.
Molecular consequence: intron variant.
Genome position (GRCh38, 1-based): chr1:56,885,912, G>A. VCF-style: chr1-56885912-G-A. GRCh37 (hg19) VCF-style: chr1-57351585-G-A.
Identifiers: ClinVar variation 1005627 (VCV001005627.7), dbSNP rs372529913, ClinGen allele CA875191.